The following is an entry in ClinVar:

NM_018668.5(VPS33B):c.1170+5G>A

Gene: VPS33B (VPS33B late endosome and lysosome associated; minus strand). Cytogenetic location: 15q26.1.
Variant type: single nucleotide variant.
Coding change: c.1170+5G>A on transcript NM_018668.5 (MANE Select); 5 bases into the intron after coding-DNA position 1170, G replaced by A.
Molecular consequence: intron variant.
Genome position (GRCh38, 1-based): chr15:91,005,050, C>T on the plus strand (G>A on the coding strand, the complement: VPS33B is on the minus strand). VCF-style: chr15-91005050-C-T. GRCh37 (hg19) VCF-style: chr15-91548280-C-T.
Other names: p.?; c.1089+5G>A (NM_001289148.1); c.897+5G>A (NM_001289149.1).
Identifiers: ClinVar variation 317422 (VCV000317422.57), dbSNP rs201431055, ClinGen allele CA7744767.

ClinVar aggregate classification (germline): Conflicting classifications of pathogenicity. Review status: criteria provided, conflicting classifications (1 of 4 stars). 6 submissions from 6 submitters: Uncertain significance (2); Benign (1); Likely benign (2). 1 of the submissions does not count toward it. Last evaluated 2025-11-05.

Conditions:
Arthrogryposis, renal dysfunction, and cholestasis 1 (ARCS1). Identifiers: Orphanet 2697, MedGen C1859722, MONDO:0008822, OMIM 208085.
VPS33B-related disorder. Also called: VPS33B-related condition.

Allele frequency attached by ClinVar (database versions not stated): gnomAD 0.00004 and 0.00022; ESP Exome Variant Server 0.00008; TOPMed 0.00014; gnomAD exomes 0.00051 and 0.00097; ExAC 0.00107; 1000 Genomes Project 30x 0.00125; 1000 Genomes Project 0.00160.
gnomAD v4.1: 788 of 1,614,242 alleles (0.049%); highest among the groups gnomAD compares: South Asian, 0.71%; 5 homozygotes.

Submissions (6):

Labcorp Genetics (formerly Invitae), Labcorp
Classification: Likely benign. Last evaluated: 2025-11-05. Review status: criteria provided, single submitter. Criteria: Invitae Variant Classification Sherloc (09022015). Collection method: clinical testing. Allele origin: germline.

Mayo Clinic Laboratories, Mayo Clinic
Classification: Benign. Last evaluated: 2025-07-24. Review status: criteria provided, single submitter. Criteria: ACMG Guidelines, 2015. Collection method: clinical testing. Allele origin: germline. Observed: 1 variant allele.
Comment: BS1, BS2

Women's Health and Genetics/Laboratory Corporation of America, LabCorp
Classification: Uncertain significance. Last evaluated: 2023-10-27. Review status: criteria provided, single submitter. Criteria: LabCorp Variant Classification Summary - May 2015. Collection method: clinical testing. Allele origin: germline.
Comment: Variant summary: VPS33B c.1170+5G>A alters a non-conserved nucleotide located close to a canonical splice site and therefore could affect mRNA splicing, leading to a significantly altered protein sequence. Several computational tools predict a significant impact on normal splicing: Two predict the variant abolishes a canonical 5' splicing donor site. Two predict the variant weakens a canonical 5' donor site. However, these predictions have yet to be confirmed by functional studies. The variant allele was found at a frequency of 0.00097 in 251408 control chromosomes (gnomAD). To our knowledge, no occurrence of c.1170+5G>A in individuals affected with VPS33B-Related Disorders and no experimental evidence demonstrating its impact on protein function have been reported. Three submitters have cited clinical-significance assessments for this variant to ClinVar after 2014 and classified the variant as VUS (n=1) and likely benign (n=2). Based on the evidence outlined above, the variant was classified as uncertain significance.

CeGaT Center for Human Genetics Tuebingen
Classification: Uncertain significance. Last evaluated: 2018-04-01. Review status: criteria provided, single submitter. Criteria: CeGaT Center For Human Genetics Tuebingen Variant Classification Criteria Version 2. Collection method: clinical testing. Allele origin: germline. Affected: yes. Observed: 1 variant allele.

Illumina Laboratory Services, Illumina
Classification: Likely benign for Arthrogryposis, renal dysfunction, and cholestasis 1. Last evaluated: 2018-01-13. Review status: criteria provided, single submitter. Criteria: ICSL Variant Classification Criteria 13 December 2019. Collection method: clinical testing. Allele origin: germline.
Comment: This variant was observed in the ICSL laboratory as part of a predisposition screen in an ostensibly healthy population. It had not been previously curated by ICSL or reported in the Human Gene Mutation Database (HGMD: prior to June 1st, 2018), and was therefore a candidate for classification through an automated scoring system. Utilizing variant allele frequency, disease prevalence and penetrance estimates, and inheritance mode, an automated score was calculated to assess if this variant is too frequent to cause the disease. Based on the score and internal cut-off values, a variant classified as likely benign is not then subjected to further curation. The score for this variant resulted in a classification of likely benign for this disease.

PreventionGenetics, part of Exact Sciences
Classification: Benign for VPS33B-related condition. Last evaluated: 2021-06-03. Review status: no assertion criteria provided. Collection method: clinical testing. Allele origin: germline. Not counted in ClinVar's aggregate classification.
Comment: This variant is classified as benign based on ACMG/AMP sequence variant interpretation guidelines (Richards et al. 2015 PMID: 25741868, with internal and published modifications).